The following is an entry in ClinVar:

NM_024675.4(PALB2):c.1319_1320insSVAelement

Gene: PALB2 (partner and localizer of BRCA2; minus strand). Cytogenetic location: 16p12.2.
Variant type: Insertion.
Coding change: c.1319_1320insSVAelement on transcript NM_024675.4; coding-DNA positions 1319 to 1320, an insertion.
Other names: NM_024675.3:c.1319_1320insSVA.
Identifiers: ClinVar variation 870247 (VCV000870247.2).

ClinVar aggregate classification (germline): Pathogenic (1 of 4 stars; one submission).

Conditions:
Familial cancer of breast. Also called: Hereditary breast cancer; hereditary breast carcinoma; BREAST CANCER, FAMILIAL. Identifiers: Orphanet 227535, MedGen C0346153, MONDO:0016419, OMIM 114480. Disease mechanism: loss of function.

Submission:

Labcorp Genetics (formerly Invitae), Labcorp
Classification: Pathogenic for Hereditary Breast Carcinoma. Last evaluated: 2019-08-19. Review status: criteria provided, single submitter. Criteria: Invitae Variant Classification Sherloc (09022015). Collection method: clinical testing. Allele origin: germline.
Comment: This sequence change inserts a large fragment of DNA, likely a transposable element, in exon 4 of the PALB2 gene (c.1319_1320insSVA), causing a frameshift at codon 444 (p.Phe440fs). The exact size and sequence of the insertion cannot be determined by the current assay. However, the insertion is expected to result in an absent or disrupted protein product. This variant has not been reported in the literature in individuals with PALB2-related conditions. Retrotransposon insertions including LINE1 (L1), Alu, and SVA (SINE-VNTR-Alu) have been reported to be disease-causing through disruption of either a coding region or splice site (PMID: 19763152, 20307669, 22406018) and loss-of-function variants in PALB2 are known to be pathogenic (PMID: 17200668, 24136930, 25099575). For these reasons, this variant has been classified as Pathogenic.

Literature cited by the submitters: PubMed 20307669; PubMed 17200668; PubMed 22406018; PubMed 25099575; PubMed 19763152; PubMed 24136930.